The following is an entry in ClinVar:

NM_001394998.1(TANC2):c.1442-4C>A

Gene: TANC2 (tetratricopeptide repeat, ankyrin repeat and coiled-coil containing 2; plus strand). Cytogenetic location: 17q23.3.
Variant type: single nucleotide variant.
Coding change: c.1442-4C>A on transcript NM_001394998.1 (MANE Select); 4 bases into the intron before coding-DNA position 1442, C replaced by A.
Molecular consequence: intron variant.
Genome position (GRCh38, 1-based): chr17:63,318,953, C>A. VCF-style: chr17-63318953-C-A. GRCh37 (hg19) VCF-style: chr17-61396314-C-A.
Other names: c.1220-4C>A (NM_025185.4).
Identifiers: ClinVar variation 2254382 (VCV002254382.2), dbSNP rs2509908678, ClinGen allele CA2580094542.

ClinVar aggregate classification (germline): Uncertain significance (1 of 4 stars; one submission).

Conditions:
Inborn genetic diseases. Identifiers: MedGen C0950123, MeSH D030342.

Allele frequency attached by ClinVar (database versions not stated): gnomAD exomes below 0.00001.
gnomAD v4.1: 2 of 1,612,426 alleles (0.00012%); highest among the groups gnomAD compares: African/African-American, 0.0013%; no homozygotes.

Submission:

Ambry Genetics
Classification: Uncertain significance for Inborn genetic diseases. Last evaluated: 2021-11-24. Review status: criteria provided, single submitter. Criteria: Ambry Variant Classification Scheme 2023. Collection method: clinical testing. Allele origin: germline.
Comment: The c.1220-4C>A intronic alteration consists of a C to A substitution 4 nucleotides before exon 9 of the TANC2 gene. Based on insufficient or conflicting evidence, the clinical significance of this alteration remains unclear.